The following is an entry in ClinVar:

NM_004336.5(BUB1):c.1649C>G (p.Ala550Gly)

Gene: BUB1 (BUB1 mitotic checkpoint serine/threonine kinase; minus strand). Cytogenetic location: 2q13.
Variant type: single nucleotide variant.
Coding change: c.1649C>G on transcript NM_004336.5 (MANE Select); coding-DNA position 1649, C replaced by G.
Protein change: p.Ala550Gly; replaces alanine 550 with glycine.
Molecular consequence: missense variant.
Genome position (GRCh38, 1-based): chr2:110,657,085, G>C on the plus strand (C>G on the coding strand, the complement: BUB1 is on the minus strand). VCF-style: chr2-110657085-G-C. GRCh37 (hg19) VCF-style: chr2-111414662-G-C.
Other names: c.1589C>G, p.Ala530Gly (NM_001278616.2); c.1649C>G, p.Ala550Gly (NM_001278617.2); short protein forms A530G, A550G.
Identifiers: ClinVar variation 3224014 (VCV003224014.1), dbSNP rs2468006073, ClinGen allele CA348211467.
Genomic context (GRCh38, chr2:110,657,085, plus strand): 5'-GGTTTGTTTACCTTTGGTTTTGAAGGAAGTCTGCTGACAGAGCGTTCTCCAAAGGTCCTG[G>C]CTCCTGTGGGTTTATTTTTAGGCTGTGGTAATCTAAGGAAAGATTTGCTAAATTATAAAT-3'
Protein context (NP_004327.1, residues 540-560): LPQPKNKPTG[Ala550Gly]RTFGERSVSR

ClinVar aggregate classification (germline): Uncertain significance (1 of 4 stars; one submission).

Submission:

Ambry Genetics
Classification: Uncertain significance. Last evaluated: 2023-11-22. Review status: criteria provided, single submitter. Criteria: Ambry Variant Classification Scheme 2023. Collection method: clinical testing. Allele origin: germline.
Comment: The p.A550G variant (also known as c.1649C>G), located in coding exon 15 of the BUB1 gene, results from a C to G substitution at nucleotide position 1649. The alanine at codon 550 is replaced by glycine, an amino acid with similar properties. This amino acid position is conserved. In addition, this alteration is predicted to be tolerated by in silico analysis. Since supporting evidence is limited at this time, the clinical significance of this alteration remains unclear.